The following is an entry in ClinVar:

NM_001378454.1(ALMS1):c.6053C>T (p.Ser2018Phe)

Gene: ALMS1 (ALMS1 centrosome and basal body associated protein; plus strand). Cytogenetic location: 2p13.1.
Variant type: single nucleotide variant.
Coding change: c.6053C>T on transcript NM_001378454.1 (MANE Select); coding-DNA position 6053, C replaced by T.
Protein change: p.Ser2018Phe; replaces serine 2018 with phenylalanine.
Molecular consequence: missense variant.
Genome position (GRCh38, 1-based): chr2:73,452,580, C>T. VCF-style: chr2-73452580-C-T. GRCh37 (hg19) VCF-style: chr2-73679707-C-T.
Other names: c.6056C>T, p.Ser2019Phe (NM_015120.4); short protein forms S2019F, S2018F.
Identifiers: ClinVar variation 4987291 (VCV004987291.1).

ClinVar aggregate classification (germline): Uncertain significance (1 of 4 stars; one submission).

Conditions:
ALMS1-related disorder. Also called: ALMS1-related condition.

Submission:

PreventionGenetics, part of Exact Sciences
Classification: Uncertain significance for ALMS1-related condition. Last evaluated: 2024-11-01. Review status: criteria provided, single submitter. Criteria: ACMG Guidelines, 2015. Collection method: clinical testing. Allele origin: germline.
Comment: The ALMS1 c.6056C>T variant is predicted to result in the amino acid substitution p.Ser2019Leu. To our knowledge, this variant has not been reported in the literature. This variant is reported in 0.0044% of alleles in individuals of European (Non-Finnish) descent in gnomAD. At this time, the clinical significance of this variant is uncertain due to the absence of conclusive functional and genetic evidence.